The following is an entry in ClinVar:

NM_025179.4(PLXNA2):c.261A>G (p.Pro87=)

Gene: PLXNA2 (plexin A2; minus strand). Cytogenetic location: 1q32.2.
Variant type: single nucleotide variant.
Coding change: c.261A>G on transcript NM_025179.4 (MANE Select); coding-DNA position 261, A replaced by G.
Protein change: p.Pro87=; no amino-acid change (proline 87 retained).
Molecular consequence: synonymous variant.
Genome position (GRCh38, 1-based): chr1:208,217,662, T>C on the plus strand (A>G on the coding strand, the complement: PLXNA2 is on the minus strand). VCF-style: chr1-208217662-T-C. GRCh37 (hg19) VCF-style: chr1-208391007-T-C.
Identifiers: ClinVar variation 4985990 (VCV004985990.1).

ClinVar aggregate classification (germline): Likely benign (1 of 4 stars; one submission).

Conditions:
PLXNA2-related disorder. Also called: PLXNA2-related condition.

gnomAD v4.1: 2 of 1,614,232 alleles (0.00012%); highest among the groups gnomAD compares: Admixed American, 0.0033%; no homozygotes.

Submission:

PreventionGenetics, part of Exact Sciences
Classification: Likely benign for PLXNA2-related condition. Last evaluated: 2026-08-26. Review status: criteria provided, single submitter. Criteria: ACMG Guidelines, 2015. Collection method: clinical testing. Allele origin: germline.
Comment: This variant is classified as likely benign based on ACMG/AMP sequence variant interpretation guidelines (Richards et al. 2015 PMID: 25741868, with internal and published modifications).